The following is an entry in ClinVar:

ClinVar aggregate classification (germline): Uncertain significance. Review status: criteria provided, multiple submitters, no conflicts (2 of 4 stars). 4 submissions from 4 submitters: Uncertain significance (4). Last evaluated 2025-04-14.

Conditions:
Primary ciliary dyskinesia. Also called: Ciliary dyskinesia. Identifiers: Orphanet 244, MedGen C0008780, MONDO:0016575, HP:0012265.
Primary ciliary dyskinesia 14. Also called: CILIARY DYSKINESIA, PRIMARY, 14, WITH OR WITHOUT SITUS INVERSUS. Identifiers: Orphanet 244, MedGen C3151136, MONDO:0013434, OMIM 613807.

Allele frequency attached by ClinVar (database versions not stated): ExAC 0.00003; ESP Exome Variant Server 0.00009; gnomAD exomes 0.00011 and 0.00006; gnomAD 0.00005; TOPMed 0.00005.
gnomAD v4.1: 164 of 1,600,436 alleles (0.01%); highest among the groups gnomAD compares: Middle Eastern, 0.017%; no homozygotes.

Submissions (4):

Labcorp Genetics (formerly Invitae), Labcorp
Classification: Uncertain significance for Primary ciliary dyskinesia. Last evaluated: 2025-04-14. Review status: criteria provided, single submitter. Criteria: Invitae Variant Classification Sherloc (09022015). Collection method: clinical testing. Allele origin: germline.
Comment: This sequence change replaces arginine, which is basic and polar, with tryptophan, which is neutral and slightly polar, at codon 463 of the CCDC39 protein (p.Arg463Trp). This variant is present in population databases (rs368870111, gnomAD 0.009%). This variant has not been reported in the literature in individuals affected with CCDC39-related conditions. ClinVar contains an entry for this variant (Variation ID: 452875). An algorithm developed to predict the effect of missense changes on protein structure and function (PolyPhen-2) suggests that this variant is likely to be disruptive. In summary, the available evidence is currently insufficient to determine the role of this variant in disease. Therefore, it has been classified as a Variant of Uncertain Significance.

Ambry Genetics
Classification: Uncertain significance for Primary ciliary dyskinesia. Last evaluated: 2024-08-19. Review status: criteria provided, single submitter. Criteria: Ambry Variant Classification Scheme 2023. Collection method: clinical testing. Allele origin: germline.
Comment: The p.R463W variant (also known as c.1387C>T), located in coding exon 11 of the CCDC39 gene, results from a C to T substitution at nucleotide position 1387. The arginine at codon 463 is replaced by tryptophan, an amino acid with dissimilar properties. This amino acid position is highly conserved in available vertebrate species. In addition, the in silico prediction for this alteration is inconclusive. Since supporting evidence is limited at this time, the clinical significance of this alteration remains unclear.

Revvity Omics, Revvity
Classification: Uncertain significance for Primary ciliary dyskinesia 14. Last evaluated: 2020-02-19. Review status: criteria provided, single submitter. Criteria: ACMG Guidelines, 2015. Collection method: clinical testing. Allele origin: germline.

GeneDx
Classification: Uncertain significance. Last evaluated: 2017-10-30. Review status: criteria provided, single submitter. Criteria: GeneDx Variant Classification (06012015). Collection method: clinical testing. Allele origin: germline. Affected: yes.
Comment: The R463W variant in the CCDC39 gene has not been reported previously as a pathogenic variant, nor as a benign variant, to our knowledge. The R463W variant is observed in 2/23,068 (0.0087%) alleles from individuals of African background in large population cohorts (Lek et al., 2016). The R463W variant is a non-conservative amino acid substitution, which is likely to impact secondary protein structure as these residues differ in polarity, charge, size and/or other properties. This substitution occurs at a position that is conserved across species, and in silico analysis predicts this variant is probably damaging to the protein structure/function. We interpret R463W as a variant of uncertain significance.

NM_181426.2(CCDC39):c.1387C>T (p.Arg463Trp)

Gene: CCDC39 (coiled-coil domain 39 molecular ruler complex subunit; minus strand). Cytogenetic location: 3q26.33.
Variant type: single nucleotide variant.
Coding change: c.1387C>T on transcript NM_181426.2 (MANE Select); coding-DNA position 1387, C replaced by T.
Protein change: p.Arg463Trp; replaces arginine 463 with tryptophan.
Molecular consequence: missense variant.
Genome position (GRCh38, 1-based): chr3:180,647,219, G>A on the plus strand (C>T on the coding strand, the complement: CCDC39 is on the minus strand). VCF-style: chr3-180647219-G-A. GRCh37 (hg19) VCF-style: chr3-180365007-G-A.
Other names: short protein forms R463W.
Identifiers: ClinVar variation 452875 (VCV000452875.9), dbSNP rs368870111, ClinGen allele CA2715947.